The following is an entry in ClinVar:

ClinVar aggregate classification (germline): Uncertain significance (1 of 4 stars; one submission).

Conditions:
Severe early-onset pulmonary alveolar proteinosis due to MARS deficiency. Also called: PULMONARY ALVEOLAR PROTEINOSIS, REUNION ISLAND; Interstitial lung and liver disease. Identifiers: Orphanet 440427, MedGen C4225400, MONDO:0014206, OMIM 615486.
Charcot-Marie-Tooth disease axonal type 2U. Also called: CHARCOT-MARIE-TOOTH NEUROPATHY, TYPE 2U; CHARCOT-MARIE-TOOTH DISEASE, AXONAL, AUTOSOMAL DOMINANT, TYPE 2U. Identifiers: Orphanet 397735, MedGen C4084821, MONDO:0014566, OMIM 616280.

Submission:

Labcorp Genetics (formerly Invitae), Labcorp
Classification: Uncertain significance for Charcot-Marie-Tooth disease axonal type 2U; Severe early-onset pulmonary alveolar proteinosis due to MARS deficiency. Last evaluated: 2023-10-06. Review status: criteria provided, single submitter. Criteria: Invitae Variant Classification Sherloc (09022015). Collection method: clinical testing. Allele origin: unknown.
Comment: This variant results in a copy number gain of the genomic region encompassing exon(s) 1-7 of the MARS gene. This region includes the initiator codon of the gene. This copy number gain extends beyond the assayed region for this gene and therefore may encompass additional genes. As the precise location of this event is unknown, it may be in tandem or it may be located elsewhere in the genome. This variant has not been reported in the literature in individuals affected with MARS-related conditions. In summary, the available evidence is currently insufficient to determine the role of this variant in disease. Therefore, it has been classified as a Variant of Uncertain Significance.

NC_000012.11:g.(?_57881874)_(57884447_?)dup

Gene: MARS1 (methionyl-tRNA synthetase 1; plus strand). Cytogenetic location: 12q13.3.
Variant type: Duplication.
Identifiers: ClinVar variation 3244339 (VCV003244339.1).